The following is an entry in ClinVar:

NM_003072.5(SMARCA4):c.4929C>T (p.Gly1643=)

Gene: SMARCA4 (SWI/SNF related BAF chromatin remodeling complex subunit ATPase 4; plus strand). Cytogenetic location: 19p13.2.
Variant type: single nucleotide variant.
Coding change: c.4929C>T on transcript NM_003072.5 (MANE Select); coding-DNA position 4929, C replaced by T.
Protein change: p.Gly1643=; no amino-acid change (glycine 1643 retained).
Molecular consequence: synonymous variant. On other transcripts: non-coding transcript variant (1).
Genome position (GRCh38, 1-based): chr19:11,061,801, C>T. VCF-style: chr19-11061801-C-T. GRCh37 (hg19) VCF-style: chr19-11172477-C-T.
Other names: c.4929C>T, p.Gly1643= (NM_001128844.3); c.4839C>T, p.Gly1613= (NM_001128845.2); c.4836C>T, p.Gly1612= (NM_001128846.2); c.4830C>T, p.Gly1610= (NM_001128847.4, NM_001374457.1); c.4827C>T, p.Gly1609= (NM_001128848.2); c.5025C>T, p.Gly1675= (NM_001128849.3, NM_001387283.1).
Identifiers: ClinVar variation 484988 (VCV000484988.9), dbSNP rs1555797474, ClinGen allele CA505495661.

ClinVar aggregate classification (germline): Benign/Likely benign. Review status: criteria provided, multiple submitters, no conflicts (2 of 4 stars). 3 submissions from 3 submitters: Benign (1); Likely benign (2). Last evaluated 2026-07-27.

Conditions:
Rhabdoid tumor predisposition syndrome 2 (RTPS2). Identifiers: Orphanet 231108, Orphanet 69077, MedGen C2750074, MONDO:0013224, OMIM 613325.
Hereditary cancer-predisposing syndrome. Also called: Tumor predisposition; Neoplastic Syndromes, Hereditary; Hereditary Cancer Syndrome; Hereditary neoplastic syndrome. Identifiers: Orphanet 140162, MedGen C0027672, MeSH D009386, MONDO:0015356.

gnomAD v4.1: 2 of 1,613,946 alleles (0.00012%); highest among the groups gnomAD compares: Non-Finnish European, 0.00017%; no homozygotes.

Submissions (3):

Myriad Genetics, Inc.
Classification: Benign for Rhabdoid tumor predisposition syndrome 2. Last evaluated: 2026-07-27. Review status: criteria provided, single submitter. Criteria: Myriad Autosomal Dominant, Autosomal Recessive and X-Linked Classification Criteria (2023). Collection method: clinical testing. Allele origin: unknown.
Comment: This variant is considered benign. This variant is a silent/synonymous amino acid change and it is not expected to impact splicing.

Labcorp Genetics (formerly Invitae), Labcorp
Classification: Likely benign for Rhabdoid tumor predisposition syndrome 2. Last evaluated: 2023-04-08. Review status: criteria provided, single submitter. Criteria: Invitae Variant Classification Sherloc (09022015). Collection method: clinical testing. Allele origin: germline.

Ambry Genetics
Classification: Likely benign for Hereditary cancer-predisposing syndrome. Last evaluated: 2017-08-30. Review status: criteria provided, single submitter. Criteria: Ambry Variant Classification Scheme 2023. Collection method: clinical testing. Allele origin: germline.